The following is an entry in ClinVar:

ClinVar aggregate classification (germline): Uncertain significance. Review status: criteria provided, multiple submitters, no conflicts (2 of 4 stars). 3 submissions from 3 submitters: Uncertain significance (3). Last evaluated 2022-07-15.

Conditions:
Charcot-Marie-Tooth disease type 4. Also called: Charcot-Marie-Tooth disease, type IV; Charcot-Marie-Tooth, Type 4. Identifiers: Orphanet 64749, MedGen C4082197, MONDO:0018995.
Charcot-Marie-Tooth disease type 4B2. Also called: CHARCOT-MARIE-TOOTH DISEASE, WITH FOCALLY FOLDED MYELIN SHEATHS, AUTOSOMAL RECESSIVE, TYPE 4B2; Charcot-Marie-Tooth Neuropathy Type 4B2; CHARCOT-MARIE-TOOTH DISEASE, DEMYELINATING, TYPE 4B2; CMT 4B2. Identifiers: Orphanet 99956, MedGen C1858278, MONDO:0011475, OMIM 604563.

Allele frequency attached by ClinVar (database versions not stated): gnomAD exomes below 0.00001 and 0.00001; TOPMed 0.00001.
gnomAD v4.1: 20 of 1,613,750 alleles (0.0012%); highest among the groups gnomAD compares: Non-Finnish European, 0.0016%; no homozygotes.

Submissions (3):

Labcorp Genetics (formerly Invitae), Labcorp
Classification: Uncertain significance for Charcot-Marie-Tooth disease type 4. Last evaluated: 2022-07-15. Review status: criteria provided, single submitter. Criteria: Invitae Variant Classification Sherloc (09022015). Collection method: clinical testing. Allele origin: germline.
Comment: In summary, the available evidence is currently insufficient to determine the role of this variant in disease. Therefore, it has been classified as a Variant of Uncertain Significance. Algorithms developed to predict the effect of missense changes on protein structure and function (SIFT, PolyPhen-2, Align-GVGD) all suggest that this variant is likely to be tolerated. ClinVar contains an entry for this variant (Variation ID: 452269). This variant has not been reported in the literature in individuals affected with SBF2-related conditions. This variant is present in population databases (no rsID available, gnomAD 0.0009%). This sequence change replaces cysteine, which is neutral and slightly polar, with phenylalanine, which is neutral and non-polar, at codon 160 of the SBF2 protein (p.Cys160Phe).

Illumina Laboratory Services, Illumina
Classification: Uncertain significance for Charcot-Marie-Tooth disease type 4B2. Last evaluated: 2018-01-13. Review status: criteria provided, single submitter. Criteria: ICSL Variant Classification Criteria 13 December 2019. Collection method: clinical testing. Allele origin: germline.

GeneDx
Classification: Uncertain significance. Last evaluated: 2017-09-21. Review status: criteria provided, single submitter. Criteria: GeneDx Variant Classification (06012015). Collection method: clinical testing. Allele origin: germline. Affected: yes.
Comment: A variant of uncertain significance has been identified in the SBF2 gene. The C160F variant has not been published as a pathogenic variant, nor has it been reported as a benign variant to our knowledge. The C160F variant is not observed at a significant frequency in large population cohorts (Lek et al., 2016). The C160F variant is a non-conservative amino acid substitution, which is likely to impact secondary protein structure as these residues differ in polarity, charge, size and/or other properties. This substitution occurs at a position that is conserved in mammals; however, Phenylalanine is observed at this position in evolution. In silico analysis is inconsistent in its predictions as to whether or not the variant is damaging to the protein structure/function. Therefore, based on the currently available information, it is unclear whether this variant is a pathogenic variant or a rare benign variant.

NM_030962.4(SBF2):c.479G>T (p.Cys160Phe)

Gene: SBF2 (SET binding factor 2; minus strand). Cytogenetic location: 11p15.4.
Variant type: single nucleotide variant.
Coding change: c.479G>T on transcript NM_030962.4 (MANE Select); coding-DNA position 479, G replaced by T.
Protein change: p.Cys160Phe; replaces cysteine 160 with phenylalanine.
Molecular consequence: missense variant.
Genome position (GRCh38, 1-based): chr11:10,029,799, C>A on the plus strand (G>T on the coding strand, the complement: SBF2 is on the minus strand). VCF-style: chr11-10029799-C-A. GRCh37 (hg19) VCF-style: chr11-10051346-C-A.
Other names: c.479G>T, p.Cys160Phe (NM_001386339.1, NM_001386342.1); short protein forms C160F.
Identifiers: ClinVar variation 452269 (VCV000452269.11), dbSNP rs1214507322, ClinGen allele CA379646180.